The following is an entry in ClinVar:

ClinVar aggregate classification (germline): Likely benign. Review status: criteria provided, single submitter (1 of 4 stars). 2 submissions from 2 submitters: Likely benign (1). 1 of the submissions does not count toward it. Last evaluated 2026-01-09.

Conditions:
Combined malonic and methylmalonic acidemia. Identifiers: Orphanet 289504, MedGen C3280314, MONDO:0013661, OMIM 614265.
ACSF3-related disorder. Also called: ACSF3-related condition.

Allele frequency attached by ClinVar (database versions not stated): gnomAD 0.00003; gnomAD exomes 0.00004 and 0.00008; ExAC 0.00006; ESP Exome Variant Server 0.00008; TOPMed 0.00009.
gnomAD v4.1: 64 of 1,613,468 alleles (0.004%); highest among the groups gnomAD compares: East Asian, 0.02%; no homozygotes.

Submissions (2):

Labcorp Genetics (formerly Invitae), Labcorp
Classification: Likely benign for Combined malonic and methylmalonic acidemia. Last evaluated: 2026-01-09. Review status: criteria provided, single submitter. Criteria: Invitae Variant Classification Sherloc (09022015). Collection method: clinical testing. Allele origin: germline.

PreventionGenetics, part of Exact Sciences
Classification: Likely benign for ACSF3-related condition. Last evaluated: 2019-05-03. Review status: no assertion criteria provided. Collection method: clinical testing. Allele origin: germline. Not counted in ClinVar's aggregate classification.
Comment: This variant is classified as likely benign based on ACMG/AMP sequence variant interpretation guidelines (Richards et al. 2015 PMID: 25741868, with internal and published modifications).

NM_001243279.3(ACSF3):c.171C>T (p.Ile57=)

Gene: ACSF3 (acyl-CoA synthetase family member 3; plus strand). Cytogenetic location: 16q24.3.
Variant type: single nucleotide variant.
Coding change: c.171C>T on transcript NM_001243279.3 (MANE Select); coding-DNA position 171, C replaced by T.
Protein change: p.Ile57=; no amino-acid change (isoleucine 57 retained).
Molecular consequence: synonymous variant. On other transcripts: non-coding transcript variant (3), intron variant (1).
Genome position (GRCh38, 1-based): chr16:89,100,852, C>T. VCF-style: chr16-89100852-C-T. GRCh37 (hg19) VCF-style: chr16-89167260-C-T.
Other names: c.171C>T (NM_174917.4); c.171C>T, p.Ile57= (NM_001127214.4, NM_174917.5); c.-129-1752C>T (NM_001284316.2).
Identifiers: ClinVar variation 1117466 (VCV001117466.11), dbSNP rs147044602, ClinGen allele CA8237562.